The following is an entry in ClinVar:

NM_052989.3(IFT122):c.1943A>C (p.Glu648Ala)

Gene: IFT122 (intraflagellar transport 122; plus strand). Cytogenetic location: 3q21.3.
Variant type: single nucleotide variant.
Coding change: c.1943A>C on transcript NM_052989.3 (MANE Select); coding-DNA position 1943, A replaced by C.
Protein change: p.Glu648Ala; replaces glutamic acid 648 with alanine.
Molecular consequence: missense variant.
Genome position (GRCh38, 1-based): chr3:129,488,348, A>C. VCF-style: chr3-129488348-A-C. GRCh37 (hg19) VCF-style: chr3-129207191-A-C.
Other names: p.Glu699Ala; c.1919A>C, p.Glu640Ala (NM_001280541.2); c.1493A>C, p.Glu498Ala (NM_001280545.2); c.1316A>C, p.Glu439Ala (NM_001280546.2); c.1766A>C, p.Glu589Ala (NM_018262.4); c.2096A>C, p.Glu699Ala (NM_052985.4); c.1610A>C, p.Glu537Ala (NM_052990.3); short protein forms E699A, E537A, E439A, E498A, E589A, E640A, E648A.
Identifiers: ClinVar variation 343247 (VCV000343247.19), dbSNP rs144397126, ClinGen allele CA2606355.
Genomic context (GRCh38, chr3:129,488,348, plus strand): 5'-AACTGTTCAAGGAAGCCTACCAGATTGCTTGCTTGGGTGTCACAGACACTGATTGGCGTG[A>C]ACTGGCCATGGAAGCGCTAGAAGGTTTAGATTTTGAAACAGCAAAGAAGGTAAGCATCTA-3'
Protein context (NP_443715.1, residues 638-658): CLGVTDTDWR[Glu648Ala]LAMEALEGLD

ClinVar aggregate classification (germline): Benign/Likely benign. Review status: criteria provided, multiple submitters, no conflicts (2 of 4 stars). 7 submissions from 7 submitters: Benign (3); Likely benign (1). 3 of the submissions do not count toward it. Last evaluated 2026-02-01.

Conditions:
Cranioectodermal dysplasia 1 (CED1). Also called: LEVIN SYNDROME I. Identifiers: Orphanet 1515, MedGen C0432235, MONDO:0021093, OMIM 218330.

Allele frequency attached by ClinVar (database versions not stated): 1000 Genomes Project 30x 0.00468; 1000 Genomes Project 0.00639; TOPMed 0.00932; gnomAD 0.01011 and 0.01035; ESP Exome Variant Server 0.01130; gnomAD exomes 0.01166 and 0.01433; ExAC 0.01245.
gnomAD v4.1: 22,366 of 1,613,248 alleles (1.4%); highest among the groups gnomAD compares: Non-Finnish European, 1.6%; 197 homozygotes.

Submissions (7):

Labcorp Genetics (formerly Invitae), Labcorp
Classification: Benign for Cranioectodermal dysplasia 1. Last evaluated: 2026-02-01. Review status: criteria provided, single submitter. Criteria: Invitae Variant Classification Sherloc (09022015). Collection method: clinical testing. Allele origin: germline.

Mayo Clinic Laboratories, Mayo Clinic
Classification: Benign. Last evaluated: 2024-01-05. Review status: criteria provided, single submitter. Criteria: ACMG Guidelines, 2015. Collection method: clinical testing. Allele origin: germline. Observed: 2 variant alleles.
Comment: BA1, BS2

GeneDx
Classification: Benign. Last evaluated: 2020-06-25. Review status: criteria provided, single submitter. Criteria: GeneDx Variant Classification Process June 2021. Collection method: clinical testing. Allele origin: germline. Affected: yes.
Comment: This variant is associated with the following publications: (PMID: 30389748)

Breakthrough Genomics
Classification: Likely benign. Review status: criteria provided, single submitter. Criteria: ACMG Guidelines, 2015. Collection method: not provided. Allele origin: germline. Inheritance: Autosomal recessive inheritance. Affected: yes.

Clinical Genetics DNA and cytogenetics Diagnostics Lab, Erasmus MC, Erasmus Medical Center
Classification: Likely benign. Review status: no assertion criteria provided. Collection method: clinical testing. Allele origin: germline. Affected: yes. Study: VKGL Data-share Consensus. Not counted in ClinVar's aggregate classification.

Joint Genome Diagnostic Labs from Nijmegen and Maastricht, Radboudumc and MUMC+
Classification: Benign. Review status: no assertion criteria provided. Collection method: clinical testing. Allele origin: germline. Affected: yes. Study: VKGL Data-share Consensus. Not counted in ClinVar's aggregate classification.

Laboratory of Diagnostic Genome Analysis, Leiden University Medical Center (LUMC)
Classification: Likely benign. Review status: no assertion criteria provided. Collection method: clinical testing. Allele origin: germline. Affected: yes. Study: VKGL Data-share Consensus. Not counted in ClinVar's aggregate classification.